The following is an entry in ClinVar:

NM_201384.3(PLEC):c.4666G>A (p.Glu1556Lys)

Gene: PLEC (plectin; minus strand). Cytogenetic location: 8q24.3.
Variant type: single nucleotide variant.
Coding change: c.4666G>A on transcript NM_201384.3 (MANE Select); coding-DNA position 4666, G replaced by A.
Protein change: p.Glu1556Lys; replaces glutamic acid 1556 with lysine.
Molecular consequence: missense variant.
Genome position (GRCh38, 1-based): chr8:143,925,263, C>T on the plus strand (G>A on the coding strand, the complement: PLEC is on the minus strand). VCF-style: chr8-143925263-C-T. GRCh37 (hg19) VCF-style: chr8-144999431-C-T.
Other names: c.4747G>A, p.Glu1583Lys (NM_000445.5); c.4624G>A, p.Glu1542Lys (NM_201378.4); c.4600G>A, p.Glu1534Lys (NM_201379.3); c.5077G>A, p.Glu1693Lys (NM_201380.4); c.4570G>A, p.Glu1524Lys (NM_201381.3); c.4666G>A, p.Glu1556Lys (NM_201382.4); c.4678G>A, p.Glu1560Lys (NM_201383.3); c.4747G>A (NM_000445.3); short protein forms E1556K, E1583K, E1524K, E1534K, E1693K, E1542K, E1560K.
Identifiers: ClinVar variation 2052667 (VCV002052667.5), dbSNP rs190255667, ClinGen allele CA4926585.

ClinVar aggregate classification (germline): Uncertain significance. Review status: criteria provided, multiple submitters, no conflicts (2 of 4 stars). 2 submissions from 2 submitters: Uncertain significance (2). Last evaluated 2025-02-01.

Conditions:
Epidermolysis bullosa simplex 5B, with muscular dystrophy (EBS5B). Also called: EPIDERMOLYSIS BULLOSA SIMPLEX AND LIMB-GIRDLE MUSCULAR DYSTROPHY; Epidermolysis bullosa simplex with muscular dystrophy. Identifiers: Orphanet 257, MedGen C2931072, MONDO:0009181, OMIM 226670.
Epidermolysis bullosa simplex, Ogna type (EBS5A). Also called: Pidermolysis bullosa simplex 5A, Ogna type; EPIDERMOLYSIS BULLOSA SIMPLEX 5A, OGNA TYPE. Identifiers: Orphanet 79401, MedGen C0432317, MONDO:0007555, OMIM 131950.
Epidermolysis bullosa simplex 5C, with pyloric atresia (EBS5C). Also called: PLEC-Related Epidermolysis Bullosa with Pyloric Atresia; Epidermolysis bullosa simplex with pyloric atresia; PLEC1-Related Epidermolysis Bullosa with Pyloric Atresia. Identifiers: Orphanet 158684, MedGen C2677349, MONDO:0012807, OMIM 612138.
Autosomal recessive limb-girdle muscular dystrophy type 2Q (LGMDR17). Also called: MUSCULAR DYSTROPHY, LIMB-GIRDLE, AUTOSOMAL RECESSIVE 17. Identifiers: Orphanet 254361, MedGen C3150989, MONDO:0013390, OMIM 613723.
Epidermolysis bullosa simplex with nail dystrophy (EBS5D). Identifiers: MedGen C4225309, MONDO:0014661, OMIM 616487.
Inborn genetic diseases. Identifiers: MedGen C0950123, MeSH D030342.

Allele frequency attached by ClinVar (database versions not stated): gnomAD 0.00001; gnomAD exomes 0.00001; TOPMed 0.00001; 1000 Genomes Project 30x 0.00016.
gnomAD v4.1: 21 of 1,580,944 alleles (0.0013%); highest among the groups gnomAD compares: South Asian, 0.0034%; no homozygotes.

Submissions (2):

Ambry Genetics
Classification: Uncertain significance for Inborn genetic diseases. Last evaluated: 2025-02-01. Review status: criteria provided, single submitter. Criteria: Ambry Variant Classification Scheme 2023. Collection method: clinical testing. Allele origin: germline.

Labcorp Genetics (formerly Invitae), Labcorp
Classification: Uncertain significance for Autosomal recessive limb-girdle muscular dystrophy type 2Q; Epidermolysis bullosa simplex, Ogna type; Epidermolysis bullosa simplex with nail dystrophy; Epidermolysis bullosa simplex 5C, with pyloric atresia; Epidermolysis bullosa simplex 5B, with muscular dystrophy. Last evaluated: 2022-10-04. Review status: criteria provided, single submitter. Criteria: Invitae Variant Classification Sherloc (09022015). Collection method: clinical testing. Allele origin: germline.
Comment: This variant is present in population databases (rs190255667, gnomAD 0.01%). This variant has not been reported in the literature in individuals affected with PLEC-related conditions. Advanced modeling of protein sequence and biophysical properties (such as structural, functional, and spatial information, amino acid conservation, physicochemical variation, residue mobility, and thermodynamic stability) performed at Invitae indicates that this missense variant is expected to disrupt PLEC protein function. In summary, the available evidence is currently insufficient to determine the role of this variant in disease. Therefore, it has been classified as a Variant of Uncertain Significance. This sequence change replaces glutamic acid, which is acidic and polar, with lysine, which is basic and polar, at codon 1583 of the PLEC protein (p.Glu1583Lys).